The following is an entry in ClinVar:

NM_138636.5(TLR8):c.1050G>C (p.Lys350Asn)

Genes: TLR8 (toll like receptor 8; plus strand), TLR8-AS1 (TLR8 antisense RNA 1; minus strand). Cytogenetic location: Xp22.2.
Variant type: single nucleotide variant.
Coding change: c.1050G>C on transcript NM_138636.5 (MANE Select); coding-DNA position 1050, G replaced by C.
Protein change: p.Lys350Asn; replaces lysine 350 with asparagine.
Molecular consequence: missense variant.
Genome position (GRCh38, 1-based): chrX:12,920,090, G>C. VCF-style: chrX-12920090-G-C. GRCh37 (hg19) VCF-style: chrX-12938209-G-C.
Other names: c.1104G>C, p.Lys368Asn (NM_016610.4); c.1050G>C (NM_138636.4); short protein forms K350N, K368N.
Identifiers: ClinVar variation 3352420 (VCV003352420.2).

ClinVar aggregate classification (germline): Uncertain significance. Review status: criteria provided, single submitter (1 of 4 stars). 2 submissions from 2 submitters: Uncertain significance (1). 1 of the submissions does not count toward it. Last evaluated 2025-05-29.

Conditions:
TLR8-related condition.

Submissions (2):

Ambry Genetics
Classification: Uncertain significance. Last evaluated: 2025-05-29. Review status: criteria provided, single submitter. Criteria: Ambry Variant Classification Scheme 2023. Collection method: clinical testing. Allele origin: germline.

PreventionGenetics, part of Exact Sciences
Classification: Uncertain significance for TLR8-related condition. Last evaluated: 2024-08-23. Review status: no assertion criteria provided. Collection method: clinical testing. Allele origin: germline. Not counted in ClinVar's aggregate classification.
Comment: The TLR8 c.1104G>C variant is predicted to result in the amino acid substitution p.Lys368Asn. To our knowledge, this variant has not been reported in the literature or in a large population database, indicating this variant is rare. At this time, the clinical significance of this variant is uncertain due to the absence of conclusive functional and genetic evidence.